The following is an entry in ClinVar:

ClinVar aggregate classification (germline): Uncertain significance (1 of 4 stars; one submission).

Allele frequency attached by ClinVar (database versions not stated): gnomAD exomes below 0.00001.
gnomAD v4.1: 1 of 1,614,122 alleles (0.000062%); highest among the groups gnomAD compares: Non-Finnish European, 0.000085%; no homozygotes.

Submission:

CeGaT Center for Human Genetics Tuebingen
Classification: Uncertain significance. Last evaluated: 2022-04-01. Review status: criteria provided, single submitter. Criteria: CeGaT Center For Human Genetics Tuebingen Variant Classification Criteria Version 2. Collection method: clinical testing. Allele origin: germline. Affected: yes. Observed: 1 variant allele.
Comment: RHBDF2: PM2

NM_001005498.4(RHBDF2):c.754G>A (p.Asp252Asn)

Gene: RHBDF2 (rhomboid 5 homolog 2; minus strand). Cytogenetic location: 17q25.1.
Variant type: single nucleotide variant.
Coding change: c.754G>A on transcript NM_001005498.4 (MANE Select); coding-DNA position 754, G replaced by A.
Protein change: p.Asp252Asn; replaces aspartic acid 252 with asparagine.
Molecular consequence: missense variant. On other transcripts: non-coding transcript variant (3).
Genome position (GRCh38, 1-based): chr17:76,477,704, C>T on the plus strand (G>A on the coding strand, the complement: RHBDF2 is on the minus strand). VCF-style: chr17-76477704-C-T. GRCh37 (hg19) VCF-style: chr17-74473786-C-T.
Other names: c.754G>A, p.Asp252Asn (NM_001376228.1, NM_001376229.1, NM_001376230.1); c.841G>A, p.Asp281Asn (NM_024599.5); short protein forms D252N, D281N.
Identifiers: ClinVar variation 2648317 (VCV002648317.24), dbSNP rs2509830155, ClinGen allele CA401171055.